The following is an entry in ClinVar:

NM_001320.7(CSNK2B):c.268dup (p.Thr90fs)

Gene: CSNK2B (casein kinase 2 beta; plus strand). Cytogenetic location: 6p21.33.
Variant type: Duplication.
Coding change: c.268dup on transcript NM_001320.7 (MANE Select); coding-DNA position 268, one base duplicated (A; older notation c.268dupA).
Protein change: p.Thr90fs; shifts the reading frame from threonine 90.
Molecular consequence: frameshift variant.
Genome position (GRCh38, 1-based): chr6:31,668,631, A duplicated. VCF-style (leftmost placement, unchanged base first): chr6-31668630-T-TA. GRCh37 (hg19) VCF-style: chr6-31636407-T-TA.
Other names: c.268dup, p.Thr90fs (NM_001282385.2); c.268_269insA (NM_001320.7); short protein forms T90fs.
Identifiers: ClinVar variation 1199211 (VCV001199211.5), dbSNP rs2151187292, ClinGen allele CA2499218205.

ClinVar aggregate classification (germline): Pathogenic. Review status: criteria provided, single submitter (1 of 4 stars). 2 submissions from 2 submitters: Pathogenic (1). 1 of the submissions does not count toward it. Last evaluated 2020-11-24.

Conditions:
CSNK2B-related intellectual disability with or without epilepsy.
Poirier-Bienvenu neurodevelopmental syndrome (POBINDS). Identifiers: Orphanet 689397, MedGen C5231482, MONDO:0032889, OMIM 618732.

Submissions (2):

Illumina Laboratory Services, Illumina
Classification: Pathogenic for CSNK2B-related intellectual disability with or without epilepsy. Last evaluated: 2020-11-24. Review status: criteria provided, single submitter. Criteria: ICSLVariantClassificationCriteria RUGD 01 April 2020. Collection method: clinical testing. Allele origin: unknown.
Comment: The CSNK2B c.268dupA (p.Thr90AsnfsTer26) variant results in a frameshift and is predicted to result in premature termination or absence of the protein. A literature search was performed for the gene, cDNA change and amino acid change. No publications were found based on this search. This variant is not found in the Genome Aggregation Database in a region of good sequencing coverage, so the variant is presumed to be rare. Based on the predicted truncating nature of the variant, its identification in a de novo state, and its rarity, the p.Thr90AsnfsTer26 variant is classified as pathogenic for CSNK2B-related intellectual disability with or without epilepsy.

Department of Neurology, Children's Hospital of Nanjing Medical University
Classification: Pathogenic for Poirier-Bienvenu neurodevelopmental syndrome. Last evaluated: 2025-12-03. Review status: no assertion criteria provided. Collection method: clinical testing. Allele origin: de novo. Inheritance: Autosomal dominant inheritance. Affected: yes. Observed: 1 variant allele, 1 heterozygote. Not counted in ClinVar's aggregate classification.
Comment: The LOF variant has been determined to be a Null variant in a gene for which LOF is a known disease mechanism, likely introducing a premature termination codon in biologically relevant exons and leading to nonsense-mediated mRNA decay (NMD). This variant has been detected as de novo in one or more phenotypically relevant families with confirmed pedigree relationships, meeting the criterion 2 ≤ PS2-Case_Score < 4. The allele frequency in population databases is less than 0.0005.